The following is an entry in ClinVar:

NM_001042492.3(NF1):c.6260del (p.Met2087fs)

Gene: NF1 (neurofibromin 1; plus strand). Cytogenetic location: 17q11.2.
Variant type: Deletion.
Coding change: c.6260del on transcript NM_001042492.3 (MANE Select); coding-DNA position 6260, one base deleted (T; older notation c.6260delT).
Protein change: p.Met2087fs; shifts the reading frame from methionine 2087.
Molecular consequence: frameshift variant.
Genome position (GRCh38, 1-based): chr17:31,336,747, T deleted. VCF-style (leftmost placement, unchanged base first): chr17-31336746-AT-A. GRCh37 (hg19) VCF-style: chr17-29663764-AT-A.
Other names: c.6197delT, p.Met2066Serfs (NM_000267.4); short protein forms M2066fs, M2087fs.
Identifiers: ClinVar variation 2123054 (VCV002123054.4), dbSNP rs2508748734, ClinGen allele CA2580093261.

ClinVar aggregate classification (germline): Pathogenic (1 of 4 stars; one submission).

Conditions:
Neurofibromatosis, type 1 (NF1). Also called: Peripheral type neurofibromatosis; NEUROFIBROMATOSIS, TYPE I, SOMATIC; Neurofibromatosis, type I; VON RECKLINGHAUSEN DISEASE. Identifiers: Orphanet 636, MedGen C0027831, MONDO:0018975, OMIM 162200. Disease mechanism: loss of function.

Submission:

Labcorp Genetics (formerly Invitae), Labcorp
Classification: Pathogenic for Neurofibromatosis, type 1. Last evaluated: 2022-04-08. Review status: criteria provided, single submitter. Criteria: Invitae Variant Classification Sherloc (09022015). Collection method: clinical testing. Allele origin: germline.
Comment: This variant has not been reported in the literature in individuals affected with NF1-related conditions. This variant is not present in population databases (gnomAD no frequency). This sequence change creates a premature translational stop signal (p.Met2066Serfs*24) in the NF1 gene. It is expected to result in an absent or disrupted protein product. Loss-of-function variants in NF1 are known to be pathogenic (PMID: 10712197, 23913538). For these reasons, this variant has been classified as Pathogenic.

Literature cited by the submitters: PubMed 10712197; PubMed 23913538.